The following is an entry in ClinVar:

NM_177438.3(DICER1):c.1054del (p.Phe351_Leu352insTer)

Gene: DICER1 (dicer 1, ribonuclease III; minus strand). Cytogenetic location: 14q32.13.
Variant type: Deletion.
Coding change: c.1054del on transcript NM_177438.3 (MANE Select); coding-DNA position 1054, one base deleted (C; older notation c.1054delC).
Protein change: p.Phe351_Leu352insTer.
Molecular consequence: nonsense.
Genome position (GRCh38, 1-based): chr14:95,124,518, G deleted on the plus strand (C on the coding strand, the reverse complement: DICER1 is on the minus strand); the first of 2 consecutive G bases (chr14:95,124,518-95,124,519); deleting either gives the same sequence. VCF-style (leftmost placement, unchanged base first): chr14-95124517-AG-A. GRCh37 (hg19) VCF-style: chr14-95590854-AG-A.
Other names: c.1054del, p.Phe351_Leu352insTer (NM_001195573.1, NM_001271282.3, NM_001291628.2 and 1 more transcripts).
Identifiers: ClinVar variation 1358330 (VCV001358330.7), dbSNP rs2140206143, ClinGen allele CA2573150342.

ClinVar aggregate classification (germline): Pathogenic (1 of 4 stars; one submission).

Conditions:
DICER1-related tumor predisposition. Also called: DICER1 syndrome; DICER1-related pleuropulmonary blastoma cancer predisposition syndrome. Identifiers: Orphanet 284343, MedGen C3839822, MONDO:0100216.

Submission:

Labcorp Genetics (formerly Invitae), Labcorp
Classification: Pathogenic for DICER1-related tumor predisposition. Last evaluated: 2021-11-23. Review status: criteria provided, single submitter. Criteria: Invitae Variant Classification Sherloc (09022015). Collection method: clinical testing. Allele origin: germline.
Comment: This sequence change creates a premature translational stop signal (p.Leu352*) in the DICER1 gene. It is expected to result in an absent or disrupted protein product. Loss-of-function variants in DICER1 are known to be pathogenic (PMID: 19556464, 21266384). For these reasons, this variant has been classified as Pathogenic. This variant has not been reported in the literature in individuals affected with DICER1-related conditions. This variant is not present in population databases (gnomAD no frequency).

Literature cited by the submitters: PubMed 19556464; PubMed 21266384.